The following is an entry in ClinVar:

ClinVar aggregate classification (germline): Uncertain significance (1 of 4 stars; one submission).

Submission:

Labcorp Genetics (formerly Invitae), Labcorp
Classification: Uncertain significance. Last evaluated: 2021-05-31. Review status: criteria provided, single submitter. Criteria: Invitae Variant Classification Sherloc (09022015). Collection method: clinical testing. Allele origin: germline.
Comment: Advanced modeling of protein sequence and biophysical properties (such as structural, functional, and spatial information, amino acid conservation, physicochemical variation, residue mobility, and thermodynamic stability) performed at Invitae indicates that this missense variant is expected to disrupt ATP1A1 protein function. In summary, the available evidence is currently insufficient to determine the role of this variant in disease. Therefore, it has been classified as a Variant of Uncertain Significance. This variant has not been reported in the literature in individuals with ATP1A1-related conditions. This variant is not present in population databases (ExAC no frequency). This sequence change replaces leucine with proline at codon 104 of the ATP1A1 protein (p.Leu104Pro). The leucine residue is highly conserved and there is a moderate physicochemical difference between leucine and proline.

NM_000701.8(ATP1A1):c.311T>C (p.Leu104Pro)

Gene: ATP1A1 (ATPase Na+/K+ transporting subunit alpha 1; plus strand). Cytogenetic location: 1p13.1.
Variant type: single nucleotide variant.
Coding change: c.311T>C on transcript NM_000701.8 (MANE Select); coding-DNA position 311, T replaced by C.
Protein change: p.Leu104Pro; replaces leucine 104 with proline.
Molecular consequence: missense variant.
Genome position (GRCh38, 1-based): chr1:116,387,415, T>C. VCF-style: chr1-116387415-T-C. GRCh37 (hg19) VCF-style: chr1-116930037-T-C.
Other names: c.311T>C, p.Leu104Pro (NM_001160233.2); c.218T>C, p.Leu73Pro (NM_001160234.2); short protein forms L73P, L104P.
Identifiers: ClinVar variation 1480015 (VCV001480015.8), dbSNP rs11540945, ClinGen allele CA341841318.